The following is an entry in ClinVar:

ClinVar aggregate classification (germline): Conflicting classifications of pathogenicity. Review status: criteria provided, conflicting classifications (1 of 4 stars). 2 submissions from 2 submitters: Likely pathogenic (1); Uncertain significance (1). Last evaluated 2025-07-21.

Conditions:
Hereditary cancer-predisposing syndrome. Also called: Neoplastic Syndromes, Hereditary; Tumor predisposition; Hereditary Cancer Syndrome; Hereditary neoplastic syndrome. Identifiers: Orphanet 140162, MedGen C0027672, MeSH D009386, MONDO:0015356.

Submissions (2):

Ambry Genetics
Classification: Likely pathogenic for Hereditary cancer-predisposing syndrome. Last evaluated: 2025-07-21. Review status: criteria provided, single submitter. Criteria: Ambry Variant Classification Scheme 2023. Collection method: clinical testing. Allele origin: germline.
Comment: The p.L3125P variant (also known as c.9374T>C), located in coding exon 24 of the BRCA2 gene, results from a T to C substitution at nucleotide position 9374. The leucine at codon 3125 is replaced by proline, an amino acid with similar properties. This variant has been reported in a patient with bilateral, triple-negative breast cancer (Wei H et al. Oncol Lett, 2018 Jun;15:9420-9428). Two saturation genome editing-based studies, including a haploid cell-survival assay and a humanized mouse embryonic stem cell line assay of drug response and survival, demonstrate that this nucleotide substitution is non-functional (Huang H et al. Nature. 2025 Feb;638(8050):528-537; Sahu S et al. Nature. 2025 Feb;638(8050):538-545). This amino acid position is highly conserved in available vertebrate species. In addition, this alteration is predicted to be deleterious by in silico analysis. This variant is considered to be rare based on population cohorts in the Genome Aggregation Database (gnomAD). Based on the majority of available evidence to date, this variant is likely to be pathogenic.

Color Diagnostics, LLC DBA Color Health
Classification: Uncertain significance for Hereditary cancer-predisposing syndrome. Last evaluated: 2023-05-24. Review status: criteria provided, single submitter. Criteria: ACMG Guidelines, 2015. Collection method: clinical testing. Allele origin: germline.
Comment: This missense variant replaces leucine with proline at codon 3125 of the BRCA2 protein. Computational prediction suggests that this variant may have deleterious impact on protein structure and function (internally defined REVEL score threshold >= 0.7, PMID: 27666373). To our knowledge, functional studies have not been reported for this variant. This variant has been reported in an individual affected with bilateral breast cancer and an individual affected with prostate cancer (PMID: 29805665, 35599270). This variant has not been identified in the general population by the Genome Aggregation Database (gnomAD). The available evidence is insufficient to determine the role of this variant in disease conclusively. Therefore, this variant is classified as a Variant of Uncertain Significance.

Literature cited by the submitters: PubMed 29805665 (cited by Ambry Genetics and Color Diagnostics, LLC DBA Color Health); PubMed 39779848 (cited by Ambry Genetics); PubMed 39779857 (cited by Ambry Genetics); PubMed 35599270 (cited by Color Diagnostics, LLC DBA Color Health).

NM_000059.4(BRCA2):c.9374T>C (p.Leu3125Pro)

Gene: BRCA2 (BRCA2 DNA repair associated; plus strand). Cytogenetic location: 13q13.1.
Variant type: single nucleotide variant.
Coding change: c.9374T>C on transcript NM_000059.4 (MANE Select); coding-DNA position 9374, T replaced by C.
Protein change: p.Leu3125Pro; replaces leucine 3125 with proline.
Molecular consequence: missense variant. On other transcripts: non-coding transcript variant (1).
Genome position (GRCh38, 1-based): chr13:32,394,806, T>C. VCF-style: chr13-32394806-T-C. GRCh37 (hg19) VCF-style: chr13-32968943-T-C.
Other names: c.9278T>C, p.Leu3093Pro (NM_001406719.1); c.9323T>C, p.Leu3108Pro (NM_001406720.1); c.4442T>C, p.Leu1481Pro (NM_001406721.1); c.2957T>C, p.Leu986Pro (NM_001406722.1); c.9374T>C, p.Leu3125Pro (NM_001432077.1); short protein forms L1481P, L3093P, L3108P, L3125P, L986P.
Identifiers: ClinVar variation 3894365 (VCV003894365.2).